The following is an entry in ClinVar:

NM_001242896.3(DEPDC5):c.875G>A (p.Gly292Asp)

Gene: DEPDC5 (DEP domain containing 5, GATOR1 subcomplex subunit; plus strand). Cytogenetic location: 22q12.2.
Variant type: single nucleotide variant.
Coding change: c.875G>A on transcript NM_001242896.3 (MANE Select); coding-DNA position 875, G replaced by A.
Protein change: p.Gly292Asp; replaces glycine 292 with aspartic acid.
Molecular consequence: missense variant. On other transcripts: non-coding transcript variant (5).
Genome position (GRCh38, 1-based): chr22:31,798,585, G>A. VCF-style: chr22-31798585-G-A. GRCh37 (hg19) VCF-style: chr22-32194571-G-A.
Other names: c.875G>A, p.Gly292Asp (NM_001007188.4, NM_001136029.4, NM_001242897.2 and 7 more transcripts); c.791G>A, p.Gly264Asp (NM_001369901.1, NM_001369902.1); short protein forms G264D, G292D.
Identifiers: ClinVar variation 1310188 (VCV001310188.3), dbSNP rs2148587401, ClinGen allele CA411291493.
Genomic context (GRCh38, chr22:31,798,585, plus strand): 5'-AAAAAAAAGTTCATGTTTCATGAGATGTTTTTCTTTCTCTTGCATATTTTGCTTCAGAGG[G>A]CTTTCCTCAAGGAGATAATTCTACCTCAGCACAAGGAAACTACCTGGAGGCCATCAATCT-3'
Protein context (NP_001229825.1, residues 282-302): PVLVRLEQAE[Gly292Asp]FPQGDNSTSA

ClinVar aggregate classification (germline): Uncertain significance (1 of 4 stars; one submission).

gnomAD v4.1: 1 of 1,609,656 alleles (0.000062%); highest among the groups gnomAD compares: Non-Finnish European, 0.000085%; no homozygotes.

Submission:

GeneDx
Classification: Uncertain significance. Last evaluated: 2022-05-23. Review status: criteria provided, single submitter. Criteria: GeneDx Variant Classification Process June 2021. Collection method: clinical testing. Allele origin: germline. Affected: yes.
Comment: Not observed at significant frequency in large population cohorts (gnomAD); In silico analysis supports that this missense variant does not alter protein structure/function; Has not been previously published as pathogenic or benign to our knowledge